The following is an entry in ClinVar:

NM_016953.4(PDE11A):c.775G>A (p.Asp259Asn)

Gene: PDE11A (phosphodiesterase 11A; minus strand). Cytogenetic location: 2q31.2.
Variant type: single nucleotide variant.
Coding change: c.775G>A on transcript NM_016953.4 (MANE Select); coding-DNA position 775, G replaced by A.
Protein change: p.Asp259Asn; replaces aspartic acid 259 with asparagine.
Molecular consequence: missense variant. On other transcripts: intron variant (1).
Genome position (GRCh38, 1-based): chr2:178,071,663, C>T on the plus strand (G>A on the coding strand, the complement: PDE11A is on the minus strand). VCF-style: chr2-178071663-C-T. GRCh37 (hg19) VCF-style: chr2-178936390-C-T.
Other names: c.162+32639G>A (NM_001077197.2); short protein forms D259N.
Identifiers: ClinVar variation 2634548 (VCV002634548.1), dbSNP rs1242466863, ClinGen allele CA349705593.

ClinVar aggregate classification (germline): Uncertain significance (1 of 4 stars; one submission).

Conditions:
PDE11A-related disorder. Also called: PDE11A-related condition.

Allele frequency attached by ClinVar (database versions not stated): TOPMed below 0.00001.
gnomAD v4.1: 13 of 1,613,672 alleles (0.00081%); highest among the groups gnomAD compares: East Asian, 0.0045%; no homozygotes.

Submission:

PreventionGenetics, part of Exact Sciences
Classification: Uncertain significance for PDE11A-related condition. Last evaluated: 2023-03-03. Review status: criteria provided, single submitter. Criteria: ACMG Guidelines, 2015. Collection method: clinical testing. Allele origin: germline.
Comment: The PDE11A c.775G>A variant is predicted to result in the amino acid substitution p.Asp259Asn. To our knowledge, this variant has not been reported in the literature. This variant is reported in 0.011% of alleles in individuals of East Asian descent in gnomAD. At this time, the clinical significance of this variant is uncertain due to the absence of conclusive functional and genetic evidence.